The following is an entry in ClinVar:

NM_001042492.3(NF1):c.1721+5A>G

Gene: NF1 (neurofibromin 1; plus strand). Cytogenetic location: 17q11.2.
Variant type: single nucleotide variant.
Coding change: c.1721+5A>G on transcript NM_001042492.3 (MANE Select); 5 bases into the intron after coding-DNA position 1721, A replaced by G.
Molecular consequence: intron variant. On other transcripts: missense variant (1).
Genome position (GRCh38, 1-based): chr17:31,221,934, A>G. VCF-style: chr17-31221934-A-G. GRCh37 (hg19) VCF-style: chr17-29548952-A-G.
Other names: c.1726A>G, p.Met576Val (NM_001128147.3); c.1721+5A>G (NM_000267.4); short protein forms M576V.
Identifiers: ClinVar variation 231104 (VCV000231104.14), dbSNP rs876658961, ClinGen allele CA10580231.

ClinVar aggregate classification (germline): Conflicting classifications of pathogenicity. Review status: criteria provided, conflicting classifications (1 of 4 stars). 6 submissions from 5 submitters: Uncertain significance (2); Likely benign (4). Last evaluated 2026-09-22.

Conditions:
Cardiovascular phenotype. Identifiers: MedGen CN230736.
Hereditary cancer-predisposing syndrome. Also called: Hereditary Cancer Syndrome; Tumor predisposition; Hereditary neoplastic syndrome; Neoplastic Syndromes, Hereditary. Identifiers: Orphanet 140162, MedGen C0027672, MeSH D009386, MONDO:0015356.
Neurofibromatosis, type 1 (NF1). Also called: Peripheral type neurofibromatosis; Neurofibromatosis, type I; VON RECKLINGHAUSEN DISEASE; NEUROFIBROMATOSIS, TYPE I, SOMATIC. Identifiers: Orphanet 636, MedGen C0027831, MONDO:0018975, OMIM 162200. Disease mechanism: loss of function.
Neurofibromatosis-Noonan syndrome (NFNS). Also called: NEUROFIBROMATOSIS WITH NOONAN PHENOTYPE. Identifiers: Orphanet 638, MedGen C2931482, MONDO:0011035, OMIM 601321. Disease mechanism: loss of function.
Café-au-lait macules with pulmonary stenosis (WTSN). Also called: PULMONIC STENOSIS WITH CAFE-AU-LAIT SPOTS. Identifiers: MedGen C0553586, MONDO:0008672, OMIM 193520.
Neurofibromatosis, familial spinal (FSNF). Identifiers: Orphanet 636, MedGen C1834235, MONDO:0008078, OMIM 162210. Disease mechanism: loss of function.
Juvenile myelomonocytic leukemia (JMML). Also called: LEUKEMIA, JUVENILE MYELOMONOCYTIC, SOMATIC. Identifiers: Orphanet 86834, MedGen C0349639, MONDO:0011908, OMIM 607785, HP:0012209.

Allele frequency attached by ClinVar (database versions not stated): gnomAD exomes below 0.00001.
gnomAD v4.1: 2 of 1,584,318 alleles (0.00013%); highest among the groups gnomAD compares: East Asian, 0.0022%; no homozygotes.

Submissions (6):

Myriad Genetics, Inc.
Classification: Likely benign for Neurofibromatosis, type 1. Last evaluated: 2026-09-22. Review status: criteria provided, single submitter. Criteria: Myriad Autosomal Dominant, Autosomal Recessive and X-Linked Classification Criteria (2023). Collection method: clinical testing. Allele origin: unknown.
Comment: This variant is considered likely benign. This variant is intronic and is not expected to impact mRNA splicing.

Labcorp Genetics (formerly Invitae), Labcorp
Classification: Likely benign for Neurofibromatosis, type 1. Last evaluated: 2025-12-13. Review status: criteria provided, single submitter. Criteria: Invitae Variant Classification Sherloc (09022015). Collection method: clinical testing. Allele origin: germline.

Ambry Genetics
Classification: Likely benign for Cardiovascular phenotype; Hereditary cancer-predisposing syndrome. Last evaluated: 2024-12-06. Review status: criteria provided, single submitter. Criteria: Ambry Variant Classification Scheme 2023. Collection method: clinical testing. Allele origin: germline.

Fulgent Genetics
Classification: Uncertain significance for Neurofibromatosis, type 1; Neurofibromatosis, familial spinal; Café-au-lait macules with pulmonary stenosis; Neurofibromatosis-Noonan syndrome; Juvenile myelomonocytic leukemia. Last evaluated: 2024-04-23. Review status: criteria provided, single submitter. Criteria: ACMG Guidelines, 2015. Collection method: clinical testing. Allele origin: germline.

GeneDx
Classification: Likely benign. Last evaluated: 2017-01-19. Review status: criteria provided, single submitter. Criteria: GeneDx Variant Classification (06012015). Collection method: clinical testing. Allele origin: germline. Affected: yes.
Comment: This variant is considered likely benign or benign based on one or more of the following criteria: it is a conservative change, it occurs at a poorly conserved position in the protein, it is predicted to be benign by multiple in silico algorithms, and/or has population frequency not consistent with disease.

Ambry Genetics
Classification: Uncertain significance for Hereditary cancer-predisposing syndrome. Last evaluated: 2015-03-30. Review status: criteria provided, single submitter. Criteria: Ambry Autosomal Dominant and X-Linked criteria (10/2015). Collection method: clinical testing. Allele origin: germline. Observed: 1 variant allele.
Comment: <span style="font-size:11px"><span style="font-family:arial,helvetica,sans-serif">The c.1721+5A>G intronic variant results from an A to G substitution 5 nucleotides after coding exon 15 in the NF1 gene. This variant was not reported in population based cohorts in the following databases: Database of Single Nucleotide Polymorphisms (dbSNP), NHLBI Exome Sequencing Project (ESP), and 1000 Genomes Project. In the ESP, this variant was not observed in 6498 samples (12996 alleles) with coverage at this position.To date, this alteration has been detected with an allele frequency of approximately 0.003% (greater than 30000 alleles tested) in our clinical cohort. This nucleotide position is poorly conserved in available vertebrate species. Using the BDGP and ESEfinder splice site prediction tools, this alteration is not predicted to have any significant effect on this donor splice site; however, direct evidence is unavailable.<span style="color:rgb(54, 43, 54)">Since supporting evidence for this variant is limited at this time, the clinical significance of c.1721+5A>G remains unclear.